The following is an entry in ClinVar:

NM_000780.4(CYP7A1):c.1100A>T (p.Lys367Met)

Genes: CYP7A1 (cytochrome P450 family 7 subfamily A member 1; minus strand), LOC126860400 (BRD4-independent group 4 enhancer GRCh37_chr8:59404317-59405516; plus strand). Cytogenetic location: 8q12.1.
Variant type: single nucleotide variant.
Coding change: c.1100A>T on transcript NM_000780.4 (MANE Select); coding-DNA position 1100, A replaced by T.
Protein change: p.Lys367Met; replaces lysine 367 with methionine.
Molecular consequence: missense variant.
Genome position (GRCh38, 1-based): chr8:58,492,468, T>A on the plus strand (A>T on the coding strand, the complement: CYP7A1 is on the minus strand). VCF-style: chr8-58492468-T-A. GRCh37 (hg19) VCF-style: chr8-59405027-T-A.
Other names: short protein forms K367M.
Identifiers: ClinVar variation 3008855 (VCV003008855.3), dbSNP rs138607943, ClinGen allele CA4756654.

ClinVar aggregate classification (germline): Uncertain significance (1 of 4 stars; one submission).

Allele frequency attached by ClinVar (database versions not stated): ExAC 0.00001; gnomAD 0.00001; gnomAD exomes 0.00001; TOPMed 0.00002; ESP Exome Variant Server 0.00008.

Submission:

Labcorp Genetics (formerly Invitae), Labcorp
Classification: Uncertain significance. Last evaluated: 2023-11-15. Review status: criteria provided, single submitter. Criteria: Invitae Variant Classification Sherloc (09022015). Collection method: clinical testing. Allele origin: germline.
Comment: This sequence change replaces lysine, which is basic and polar, with methionine, which is neutral and non-polar, at codon 367 of the CYP7A1 protein (p.Lys367Met). This variant is present in population databases (rs138607943, gnomAD 0.002%). This variant has not been reported in the literature in individuals affected with CYP7A1-related conditions. Advanced modeling of protein sequence and biophysical properties (such as structural, functional, and spatial information, amino acid conservation, physicochemical variation, residue mobility, and thermodynamic stability) performed at Invitae indicates that this missense variant is not expected to disrupt CYP7A1 protein function with a negative predictive value of 80%. In summary, the available evidence is currently insufficient to determine the role of this variant in disease. Therefore, it has been classified as a Variant of Uncertain Significance.